The following is an entry in ClinVar:

ClinVar aggregate classification (germline): Uncertain significance. Review status: criteria provided, multiple submitters, no conflicts (2 of 4 stars). 2 submissions from 2 submitters: Uncertain significance (2). Last evaluated 2025-06-30.

Conditions:
Inborn genetic diseases. Identifiers: MedGen C0950123, MeSH D030342.

Allele frequency attached by ClinVar (database versions not stated): gnomAD exomes 0.00005; ExAC 0.00006; ESP Exome Variant Server 0.00008; TOPMed 0.00020; gnomAD 0.00023 and 0.00024; 1000 Genomes Project 30x 0.00031; 1000 Genomes Project 0.00040.
gnomAD v4.1: 67 of 1,613,824 alleles (0.0042%); highest among the groups gnomAD compares: African/African-American, 0.085%; no homozygotes.

Submissions (2):

Ambry Genetics
Classification: Uncertain significance for Inborn genetic diseases. Last evaluated: 2025-06-30. Review status: criteria provided, single submitter. Criteria: Ambry Variant Classification Scheme 2023. Collection method: clinical testing. Allele origin: germline.

Labcorp Genetics (formerly Invitae), Labcorp
Classification: Uncertain significance for Combined immunodeficiency due to DOCK8 deficiency. Last evaluated: 2024-10-28. Review status: criteria provided, single submitter. Criteria: Invitae Variant Classification Sherloc (09022015). Collection method: clinical testing. Allele origin: germline.
Comment: This sequence change replaces arginine, which is basic and polar, with threonine, which is neutral and polar, at codon 2074 of the DOCK8 protein (p.Arg2074Thr). This variant is present in population databases (rs375011475, gnomAD 0.09%). This variant has not been reported in the literature in individuals affected with DOCK8-related conditions. ClinVar contains an entry for this variant (Variation ID: 1409395). An algorithm developed to predict the effect of missense changes on protein structure and function (PolyPhen-2) suggests that this variant¬†is likely to be tolerated. In summary, the available evidence is currently insufficient to determine the role of this variant in disease. Therefore, it has been classified as a Variant of Uncertain Significance.

NM_203447.4(DOCK8):c.6221G>C (p.Arg2074Thr)

Gene: DOCK8 (dedicator of cytokinesis 8; plus strand). Cytogenetic location: 9p24.3.
Variant type: single nucleotide variant.
Coding change: c.6221G>C on transcript NM_203447.4 (MANE Select); coding-DNA position 6221, G replaced by C.
Protein change: p.Arg2074Thr; replaces arginine 2074 with threonine.
Molecular consequence: missense variant.
Genome position (GRCh38, 1-based): chr9:463,669, G>C. VCF-style: chr9-463669-G-C. GRCh37 (hg19) VCF-style: chr9-463669-G-C.
Other names: c.6221G>C (NM_203447.3); c.5921G>C, p.Arg1974Thr (NM_001190458.2); c.6017G>C, p.Arg2006Thr (NM_001193536.2); short protein forms R1974T, R2006T, R2074T.
Identifiers: ClinVar variation 1409395 (VCV001409395.7), dbSNP rs375011475, ClinGen allele CA4959740.